The following is an entry in ClinVar:

ClinVar aggregate classification (germline): Uncertain significance (0 of 4 stars; one submission).

Conditions:
Prostate cancer. Also called: Malignant tumor of prostate. Identifiers: Orphanet 1331, MedGen C0376358, MONDO:0008315, HP:0012125.

Submission:

Science for Life laboratory,  Karolinska Institutet
Classification: Uncertain significance for Malignant tumor of prostate. Review status: no assertion criteria provided. Collection method: not provided. Allele origin: somatic.
Comment: TumorID:SWE-92B
ClinVar note: Converted during submission from Unknown to Uncertain significance.

NM_016162.4(ING4):c.326C>A (p.Ala109Asp)

Genes: ING4 (inhibitor of growth family member 4; minus strand), ING4-ACRBP (ING4-ACRBP readthrough; minus strand). Cytogenetic location: 12p13.31.
Variant type: single nucleotide variant.
Coding change: c.326C>A on transcript NM_016162.4 (MANE Select); coding-DNA position 326, C replaced by A.
Protein change: p.Ala109Asp; replaces alanine 109 with aspartic acid.
Molecular consequence: missense variant.
Genome position (GRCh38, 1-based): chr12:6,653,001, G>T on the plus strand (C>A on the coding strand, the complement: ING4 is on the minus strand). VCF-style: chr12-6653001-G-T. GRCh37 (hg19) VCF-style: chr12-6762167-G-T.
Other names: c.326C>A, p.Ala109Asp (NM_001127582.2, NM_001127583.2, NM_001127584.2 and 1 more transcripts); c.254C>A, p.Ala85Asp (NM_001127585.2); short protein forms A85D, A109D.
Identifiers: ClinVar variation 161520 (VCV000161520.2), dbSNP rs193921122, ClinGen allele CA174258.